The following is an entry in ClinVar:

NM_005045.4(RELN):c.5730T>C (p.Asn1910=)

Gene: RELN (reelin; minus strand). Cytogenetic location: 7q22.1.
Variant type: single nucleotide variant.
Coding change: c.5730T>C on transcript NM_005045.4 (MANE Select); coding-DNA position 5730, T replaced by C.
Protein change: p.Asn1910=; no amino-acid change (asparagine 1910 retained).
Molecular consequence: synonymous variant.
Genome position (GRCh38, 1-based): chr7:103,557,044, A>G on the plus strand (T>C on the coding strand, the complement: RELN is on the minus strand). VCF-style: chr7-103557044-A-G. GRCh37 (hg19) VCF-style: chr7-103197491-A-G.
Other names: c.5730T>C, p.Asn1910= (NM_173054.3).
Identifiers: ClinVar variation 742815 (VCV000742815.34), dbSNP rs761717557, ClinGen allele CA4421124.

ClinVar aggregate classification (germline): Likely benign. Review status: criteria provided, multiple submitters, no conflicts (2 of 4 stars). 2 submissions from 2 submitters: Likely benign (2). Last evaluated 2024-10-31.

Conditions:
Norman-Roberts syndrome (LIS2). Also called: Lissencephaly 2 (Norman-Roberts type). Identifiers: Orphanet 89844, MedGen C0796089, MONDO:0009760, OMIM 257320.
Familial temporal lobe epilepsy 7. Identifiers: Orphanet 101046, MedGen C4225327, MONDO:0014639, OMIM 616436.

Allele frequency attached by ClinVar (database versions not stated): ExAC 0.00001; gnomAD 0.00001; gnomAD exomes 0.00001 and 0.00002; TOPMed 0.00001.
gnomAD v4.1: 9 of 1,613,778 alleles (0.00056%); highest among the groups gnomAD compares: Admixed American, 0.0033%; no homozygotes.

Submissions (2):

Labcorp Genetics (formerly Invitae), Labcorp
Classification: Likely benign for Familial temporal lobe epilepsy 7; Norman-Roberts syndrome. Last evaluated: 2024-10-31. Review status: criteria provided, single submitter. Criteria: Invitae Variant Classification Sherloc (09022015). Collection method: clinical testing. Allele origin: germline.

CeGaT Center for Human Genetics Tuebingen
Classification: Likely benign. Last evaluated: 2022-10-01. Review status: criteria provided, single submitter. Criteria: CeGaT Center For Human Genetics Tuebingen Variant Classification Criteria Version 2. Collection method: clinical testing. Allele origin: germline. Affected: yes. Observed: 1 variant allele.
Comment: RELN: BP4, BP7